The following is an entry in ClinVar:

ClinVar aggregate classification (germline): Uncertain significance (1 of 4 stars; one submission).

Submission:

Labcorp Genetics (formerly Invitae), Labcorp
Classification: Uncertain significance. Last evaluated: 2025-08-11. Review status: criteria provided, single submitter. Criteria: Invitae Variant Classification Sherloc (09022015). Collection method: clinical testing. Allele origin: germline.
Comment: This sequence change falls in intron 3 of the CFI gene. It does not directly change the encoded amino acid sequence of the CFI protein. It affects a nucleotide within the consensus splice site. This variant is not present in population databases (gnomAD no frequency). This variant has not been reported in the literature in individuals affected with CFI-related conditions. Variants that disrupt the consensus splice site are a relatively common cause of aberrant splicing (PMID: 17576681, 9536098). Algorithms developed to predict the effect of sequence changes on RNA splicing suggest that this variant is not likely to affect RNA splicing. In summary, the available evidence is currently insufficient to determine the role of this variant in disease. Therefore, it has been classified as a Variant of Uncertain Significance.

Literature cited by the submitters: PubMed 17576681; PubMed 9536098.

NM_000204.5(CFI):c.482+3G>A

Gene: CFI (complement factor I; minus strand). Cytogenetic location: 4q25.
Variant type: single nucleotide variant.
Coding change: c.482+3G>A on transcript NM_000204.5 (MANE Select); 3 bases into the intron after coding-DNA position 482, G replaced by A.
Molecular consequence: intron variant.
Genome position (GRCh38, 1-based): chr4:109,764,534, C>T on the plus strand (G>A on the coding strand, the complement: CFI is on the minus strand). VCF-style: chr4-109764534-C-T. GRCh37 (hg19) VCF-style: chr4-110685690-C-T.
Other names: c.482+3G>A (NM_001375282.1, NM_001375280.1, NM_001375281.1 and 10 more transcripts); c.-127-2842G>A (NM_001375284.1).
Identifiers: ClinVar variation 4766217 (VCV004766217.1).
Genomic context (GRCh38, chr4:109,764,534, plus strand): 5'-AATCAAAAAGCAAACAGAACAATTAAATCAGCCATGAGAAAATCCACTGATACAAGCGCT[C>T]ACTGTTGAAACCCAAGGTCAAGGCAGGCCACGTTGGCTTCCCTCATGCTCCAGCTGCTTT-3'